The following is an entry in ClinVar:

NM_031471.6(FERMT3):c.1523A>C (p.Gln508Pro)

Gene: FERMT3 (FERM domain containing kindlin 3; plus strand). Cytogenetic location: 11q13.1.
Variant type: single nucleotide variant.
Coding change: c.1523A>C on transcript NM_031471.6 (MANE Select); coding-DNA position 1523, A replaced by C.
Protein change: p.Gln508Pro; replaces glutamine 508 with proline.
Molecular consequence: missense variant.
Genome position (GRCh38, 1-based): chr11:64,220,647, A>C. VCF-style: chr11-64220647-A-C. GRCh37 (hg19) VCF-style: chr11-63988119-A-C.
Other names: c.1523A>C, p.Gln508Pro (NM_001382361.1, NM_001382448.1); c.1535A>C, p.Gln512Pro (NM_001382362.1, NM_178443.3); c.983A>C, p.Gln328Pro (NM_001382363.1); c.995A>C, p.Gln332Pro (NM_001382364.1); short protein forms Q508P, Q512P, Q328P, Q332P.
Identifiers: ClinVar variation 719757 (VCV000719757.14), dbSNP rs138031026, ClinGen allele CA6069190.

ClinVar aggregate classification (germline): Conflicting classifications of pathogenicity. Review status: criteria provided, conflicting classifications (1 of 4 stars). 3 submissions from 3 submitters: Uncertain significance (1); Likely benign (1). 1 of the submissions does not count toward it. Last evaluated 2025-12-19.

Conditions:
Inborn genetic diseases. Identifiers: MedGen C0950123, MeSH D030342.
FERMT3-related disorder. Also called: FERMT3-related condition.
Leukocyte adhesion deficiency 3. Also called: INTEGRIN ACTIVATION DEFICIENCY DISEASE; LEUKOCYTE ADHESION DEFICIENCY 1 VARIANT; Leukocyte adhesion deficiency, type III. Identifiers: Orphanet 2968, Orphanet 99844, MedGen C2748536, MONDO:0013016, OMIM 612840.

Allele frequency attached by ClinVar (database versions not stated): gnomAD 0.00137; TOPMed 0.00148; ESP Exome Variant Server 0.00170; 1000 Genomes Project 30x 0.00203; 1000 Genomes Project 0.00220.
gnomAD v4.1: 351 of 1,611,396 alleles (0.022%); highest among the groups gnomAD compares: African/African-American, 0.44%; 1 homozygote.

Submissions (3):

Labcorp Genetics (formerly Invitae), Labcorp
Classification: Likely benign for Leukocyte adhesion deficiency 3. Last evaluated: 2025-12-19. Review status: criteria provided, single submitter. Criteria: Invitae Variant Classification Sherloc (09022015). Collection method: clinical testing. Allele origin: germline.

Ambry Genetics
Classification: Uncertain significance for Inborn genetic diseases. Last evaluated: 2023-07-19. Review status: criteria provided, single submitter. Criteria: Ambry Variant Classification Scheme 2023. Collection method: clinical testing. Allele origin: germline.

PreventionGenetics, part of Exact Sciences
Classification: Likely benign for FERMT3-related condition. Last evaluated: 2023-09-12. Review status: no assertion criteria provided. Collection method: clinical testing. Allele origin: germline. Not counted in ClinVar's aggregate classification.
Comment: This variant is classified as likely benign based on ACMG/AMP sequence variant interpretation guidelines (Richards et al. 2015 PMID: 25741868, with internal and published modifications).